The following is an entry in ClinVar:

ClinVar aggregate classification (germline): Uncertain significance (1 of 4 stars; one submission).

Conditions:
Hyper-IgE recurrent infection syndrome 3, autosomal recessive. Also called: Autosomal recessive hyper-IgE syndrome due to ZNF341 deficiency; HYPER-IgE SYNDROME 3, AUTOSOMAL RECESSIVE, WITH RECURRENT INFECTIONS. Identifiers: Orphanet 641368, MedGen C4748969, MONDO:0032654, OMIM 618282.

Allele frequency attached by ClinVar (database versions not stated): TOPMed 0.00002; gnomAD 0.00003; 1000 Genomes Project 30x 0.00016; 1000 Genomes Project 0.00020.
gnomAD v4.1: 17 of 1,614,140 alleles (0.0011%); highest among the groups gnomAD compares: Admixed American, 0.0067%; no homozygotes.

Submission:

Labcorp Genetics (formerly Invitae), Labcorp
Classification: Uncertain significance for Combined immunodeficiency due to DOCK8 deficiency. Last evaluated: 2022-09-27. Review status: criteria provided, single submitter. Criteria: Invitae Variant Classification Sherloc (09022015). Collection method: clinical testing. Allele origin: germline.
Comment: In summary, the available evidence is currently insufficient to determine the role of this variant in disease. Therefore, it has been classified as a Variant of Uncertain Significance. Algorithms developed to predict the effect of sequence changes on RNA splicing suggest that this variant may create or strengthen a splice site. Algorithms developed to predict the effect of missense changes on protein structure and function (SIFT, PolyPhen-2, Align-GVGD) all suggest that this variant is likely to be tolerated. This variant has not been reported in the literature in individuals affected with DOCK8-related conditions. This variant is not present in population databases (gnomAD no frequency). This sequence change replaces alanine, which is neutral and non-polar, with valine, which is neutral and non-polar, at codon 1447 of the DOCK8 protein (p.Ala1447Val).

NM_203447.4(DOCK8):c.4340C>T (p.Ala1447Val)

Gene: DOCK8 (dedicator of cytokinesis 8; plus strand). Cytogenetic location: 9p24.3.
Variant type: single nucleotide variant.
Coding change: c.4340C>T on transcript NM_203447.4 (MANE Select); coding-DNA position 4340, C replaced by T.
Protein change: p.Ala1447Val; replaces alanine 1447 with valine.
Molecular consequence: missense variant.
Genome position (GRCh38, 1-based): chr9:428,363, C>T. VCF-style: chr9-428363-C-T. GRCh37 (hg19) VCF-style: chr9-428363-C-T.
Other names: c.4040C>T, p.Ala1347Val (NM_001190458.2); c.4136C>T, p.Ala1379Val (NM_001193536.2); short protein forms A1347V, A1447V, A1379V.
Identifiers: ClinVar variation 2193407 (VCV002193407.2), dbSNP rs529920844, ClinGen allele CA187800220.